The following is an entry in ClinVar:

NM_198271.5(LMOD3):c.761A>G (p.Asp254Gly)

Gene: LMOD3 (leiomodin 3; minus strand). Cytogenetic location: 3p14.1.
Variant type: single nucleotide variant.
Coding change: c.761A>G on transcript NM_198271.5 (MANE Select); coding-DNA position 761, A replaced by G.
Protein change: p.Asp254Gly; replaces aspartic acid 254 with glycine.
Molecular consequence: missense variant.
Genome position (GRCh38, 1-based): chr3:69,119,594, T>C on the plus strand (A>G on the coding strand, the complement: LMOD3 is on the minus strand). VCF-style: chr3-69119594-T-C. GRCh37 (hg19) VCF-style: chr3-69168745-T-C.
Other names: c.761A>G, p.Asp254Gly (NM_001304418.3); c.761A>G (NM_198271.3); short protein forms D254G.
Identifiers: ClinVar variation 856970 (VCV000856970.6), dbSNP rs905218627, ClinGen allele CA353474861.

ClinVar aggregate classification (germline): Uncertain significance. Review status: criteria provided, multiple submitters, no conflicts (2 of 4 stars). 2 submissions from 2 submitters: Uncertain significance (2). Last evaluated 2025-07-15.

Conditions:
Inborn genetic diseases. Identifiers: MedGen C0950123, MeSH D030342.
Nemaline myopathy 10 (NEM10). Identifiers: MedGen C4015360, MONDO:0014513, OMIM 616165.

Allele frequency attached by ClinVar (database versions not stated): TOPMed below 0.00001.

Submissions (2):

Ambry Genetics
Classification: Uncertain significance for Inborn genetic diseases. Last evaluated: 2025-07-15. Review status: criteria provided, single submitter. Criteria: Ambry Variant Classification Scheme 2023. Collection method: clinical testing. Allele origin: germline.

Labcorp Genetics (formerly Invitae), Labcorp
Classification: Uncertain significance for Nemaline myopathy 10. Last evaluated: 2022-10-17. Review status: criteria provided, single submitter. Criteria: Invitae Variant Classification Sherloc (09022015). Collection method: clinical testing. Allele origin: germline.
Comment: In summary, the available evidence is currently insufficient to determine the role of this variant in disease. Therefore, it has been classified as a Variant of Uncertain Significance. Algorithms developed to predict the effect of missense changes on protein structure and function are either unavailable or do not agree on the potential impact of this missense change (SIFT: "Tolerated"; PolyPhen-2: "Possibly Damaging"; Align-GVGD: "Class C0"). ClinVar contains an entry for this variant (Variation ID: 856970). This variant has not been reported in the literature in individuals affected with LMOD3-related conditions. This variant is not present in population databases (gnomAD no frequency). This sequence change replaces aspartic acid, which is acidic and polar, with glycine, which is neutral and non-polar, at codon 254 of the LMOD3 protein (p.Asp254Gly).